The following is an entry in ClinVar:

NM_001145319.2(PLS1):c.544A>G (p.Ile182Val)

Gene: PLS1 (plastin 1; plus strand). Cytogenetic location: 3q23.
Variant type: single nucleotide variant.
Coding change: c.544A>G on transcript NM_001145319.2 (MANE Select); coding-DNA position 544, A replaced by G.
Protein change: p.Ile182Val; replaces isoleucine 182 with valine.
Molecular consequence: missense variant.
Genome position (GRCh38, 1-based): chr3:142,678,078, A>G. VCF-style: chr3-142678078-A-G. GRCh37 (hg19) VCF-style: chr3-142396920-A-G.
Other names: c.544A>G, p.Ile182Val (NM_001172312.2, NM_002670.3); short protein forms I182V.
Identifiers: ClinVar variation 3254620 (VCV003254620.1), dbSNP rs758038936.

ClinVar aggregate classification (germline): Uncertain significance (1 of 4 stars; one submission).

Conditions:
Hearing loss, autosomal dominant 76. Also called: DEAFNESS, AUTOSOMAL DOMINANT 76. Identifiers: MedGen C5394080, MONDO:0032917, OMIM 618787.

Allele frequency attached by ClinVar (database versions not stated): gnomAD exomes below 0.00001; ExAC 0.00001; gnomAD 0.00001; TOPMed 0.00003.
gnomAD v4.1: 7 of 1,558,184 alleles (0.00045%); highest among the groups gnomAD compares: South Asian, 0.0048%; no homozygotes.

Submission:

Victorian Clinical Genetics Services, Murdoch Childrens Research Institute
Classification: Uncertain significance for Hearing loss, autosomal dominant 76. Last evaluated: 2023-07-17. Review status: criteria provided, single submitter. Criteria: ACMG Guidelines, 2015. Collection method: clinical testing. Allele origin: germline. Inheritance: Autosomal dominant inheritance. Affected: yes.
Comment: Based on the classification scheme VCGS_Germline_v1.3.4, this variant is classified as VUS-3B. Following criteria are met: 0105 - The mechanism of disease for this gene is not clearly established. Loss of function and dominant negative have both been supported by functional studies in the literature (PMIDs: 36537221, 25124451). (I) 0107 - This gene is associated with autosomal dominant disease. (I) 0200 - Variant is predicted to result in a missense amino acid change from isoleucine to valine. (I) 0251 - This variant is heterozygous. (I) 0302 - Variant is present in gnomAD (v2) <0.001 for a dominant condition (4 heterozygotes, 0 homozygotes). (SP) 0309 - An alternative amino acid change at the same position has been observed in gnomAD (v3) (1 heterozygote, 0 homozygotes). (I) 0502 - Missense variant with conflicting in silico predictions and uninformative conservation. (I) 0600 - Variant is located in the annotated calponin homology domain (DECIPHER) (I) 0705 - No comparable missense variants have previous evidence for pathogenicity. (I) 0807 - This variant has no previous evidence of pathogenicity. (I) 0905 - No published segregation evidence has been identified for this variant. (I) 1007 - No published functional evidence has been identified for this variant. (I) 1208 - Inheritance information for this variant is not currently available in this individual. (I) Legend: (SP) - Supporting pathogenic, (I) - Information, (SB) - Supporting benign

Literature cited by the submitters: PubMed 25124451; PubMed 36537221.